The following is an entry in ClinVar:

NM_002617.4(PEX10):c.514dup (p.Ala172fs)

Gene: PEX10 (peroxisomal biogenesis factor 10; minus strand). Cytogenetic location: 1p36.32.
Variant type: Duplication.
Coding change: c.514dup on transcript NM_002617.4 (MANE Select); coding-DNA position 514, one base duplicated (G; older notation c.514dupG).
Protein change: p.Ala172fs; shifts the reading frame from alanine 172.
Molecular consequence: frameshift variant. On other transcripts: non-coding transcript variant (1).
Genome position (GRCh38, 1-based): chr1:2,408,538, C duplicated on the plus strand (G on the coding strand, the reverse complement: PEX10 is on the minus strand). VCF-style (leftmost placement, unchanged base first): chr1-2408537-G-GC. GRCh37 (hg19) VCF-style: chr1-2339976-G-GC.
Other names: c.514dup, p.Ala172fs (NM_001374425.1, NM_153818.2); c.82dup, p.Ala28fs (NM_001374426.1, NM_001374427.1); short protein forms A172fs, A28fs.
Identifiers: ClinVar variation 4816947 (VCV004816947.1).

ClinVar aggregate classification (germline): Likely pathogenic (1 of 4 stars; one submission).

Conditions:
Zellweger spectrum disorders (ZS). Also called: Zellweger Spectrum Disorder (ZSD); Zellweger syndrome; Zellweger Spectrum Disorder; Zellweger Spectrum. Identifiers: Orphanet 912, MedGen C0043459, MONDO:0019609.

Submission:

Natera, Inc.
Classification: Likely pathogenic for Zellweger syndrome. Last evaluated: 2024-11-21. Review status: criteria provided, single submitter. Criteria: Natera Variant Classification Schema (03/2026). Collection method: clinical testing. Allele origin: germline.
Comment: The c.514dup variant in PEX10 is a frameshift variant predicted to shift the reading frame beginning at codon 172 and leads to a stop codon 65 codons downstream. This variant is expected to result in nonsense mediated decay, truncation, or a dysfunctional protein product. This variant is rare in the general population with a frequency below the threshold expected for the associated phenotype(s). Given the available evidence, this variant is classified as Likely Pathogenic.